The following is an entry in ClinVar:

ClinVar aggregate classification (germline): Uncertain significance (1 of 4 stars; one submission).

Allele frequency attached by ClinVar (database versions not stated): gnomAD exomes below 0.00001; ExAC 0.00001.
gnomAD v4.1: 1 of 1,613,922 alleles (0.000062%); highest among the groups gnomAD compares: South Asian, 0.0011%; no homozygotes.

Submission:

Labcorp Genetics (formerly Invitae), Labcorp
Classification: Uncertain significance. Last evaluated: 2022-07-25. Review status: criteria provided, single submitter. Criteria: Invitae Variant Classification Sherloc (09022015). Collection method: clinical testing. Allele origin: germline.
Comment: In summary, the available evidence is currently insufficient to determine the role of this variant in disease. Therefore, it has been classified as a Variant of Uncertain Significance. Algorithms developed to predict the effect of missense changes on protein structure and function output the following: SIFT: "Tolerated"; PolyPhen-2: "Benign"; Align-GVGD: "Class C0". The glycine amino acid residue is found in multiple mammalian species, which suggests that this missense change does not adversely affect protein function. ClinVar contains an entry for this variant (Variation ID: 1393123). This variant has not been reported in the literature in individuals affected with MTHFD1-related conditions. This variant is present in population databases (rs763240378, gnomAD 0.003%). This sequence change replaces serine, which is neutral and polar, with glycine, which is neutral and non-polar, at codon 771 of the MTHFD1 protein (p.Ser771Gly).

NM_005956.4(MTHFD1):c.2311A>G (p.Ser771Gly)

Genes: MTHFD1 (methylenetetrahydrofolate dehydrogenase, cyclohydrolase and formyltetrahydrofolate synthetase 1; plus strand), ZBTB25 (zinc finger and BTB domain containing 25; minus strand). Cytogenetic location: 14q23.3.
Variant type: single nucleotide variant.
Coding change: c.2311A>G on transcript NM_005956.4 (MANE Select); coding-DNA position 2311, A replaced by G.
Protein change: p.Ser771Gly; replaces serine 771 with glycine.
Molecular consequence: missense variant. On other transcripts: 3 prime UTR variant (1).
Genome position (GRCh38, 1-based): chr14:64,449,476, A>G. VCF-style: chr14-64449476-A-G. GRCh37 (hg19) VCF-style: chr14-64916194-A-G.
Other names: c.2311A>G, p.Ser771Gly (NM_001364837.1); c.*75T>C (NM_001304508.1); short protein forms S771G.
Identifiers: ClinVar variation 1393123 (VCV001393123.8), dbSNP rs763240378, ClinGen allele CA7226570.
Genomic context (GRCh38, chr14:64,449,476, plus strand): 5'-TGCTTTGATATGAAATGCTTCCTTTATAGGACGGATACAGAGTCTGAGCTGGACCTCATC[A>G]GCCGCCTTTCCAGAGAACATGGGGCTTTTGATGCCGTGAAGTGCACTCACTGGGCAGAAG-3'
Protein context (NP_005947.3, residues 761-781): TDTESELDLI[Ser771Gly]RLSREHGAFD